The following is an entry in ClinVar:

ClinVar aggregate classification (germline): Likely benign. Review status: criteria provided, multiple submitters, no conflicts (2 of 4 stars). 3 submissions from 3 submitters: Likely benign (3). Last evaluated 2025-07-09.

Allele frequency attached by ClinVar (database versions not stated): gnomAD 0.00004; ExAC 0.00006; TOPMed 0.00006; ESP Exome Variant Server 0.00008; gnomAD exomes 0.00010 and 0.00016.
gnomAD v4.1: 243 of 1,614,028 alleles (0.015%); highest among the groups gnomAD compares: Non-Finnish European, 0.02%; no homozygotes.

Submissions (3):

Labcorp Genetics (formerly Invitae), Labcorp
Classification: Likely benign. Last evaluated: 2025-07-09. Review status: criteria provided, single submitter. Criteria: Invitae Variant Classification Sherloc (09022015). Collection method: clinical testing. Allele origin: germline.

CeGaT Center for Human Genetics Tuebingen
Classification: Likely benign. Last evaluated: 2025-04-01. Review status: criteria provided, single submitter. Criteria: CeGaT Center For Human Genetics Tuebingen Variant Classification Criteria Version 2. Collection method: clinical testing. Allele origin: germline. Affected: yes. Observed: 2 variant alleles.
Comment: RTN4IP1: BP4, BP7

Blueprint Genetics
Classification: Likely benign. Last evaluated: 2024-05-21. Review status: criteria provided, single submitter. Criteria: ACMG Guidelines, 2015. Collection method: clinical testing. Allele origin: germline.

NM_032730.5(RTN4IP1):c.693T>C (p.His231=)

Gene: RTN4IP1 (reticulon 4 interacting protein 1; minus strand). Cytogenetic location: 6q21.
Variant type: single nucleotide variant.
Coding change: c.693T>C on transcript NM_032730.5 (MANE Select); coding-DNA position 693, T replaced by C.
Protein change: p.His231=; no amino-acid change (histidine 231 retained).
Molecular consequence: synonymous variant.
Genome position (GRCh38, 1-based): chr6:106,592,277, A>G on the plus strand (T>C on the coding strand, the complement: RTN4IP1 is on the minus strand). VCF-style: chr6-106592277-A-G. GRCh37 (hg19) VCF-style: chr6-107040152-A-G.
Other names: c.393T>C, p.His131= (NM_001318746.1).
Identifiers: ClinVar variation 1567033 (VCV001567033.29), dbSNP rs374291186, ClinGen allele CA3944390.